The following is an entry in ClinVar:

ClinVar aggregate classification (germline): Conflicting classifications of pathogenicity. Review status: criteria provided, conflicting classifications (1 of 4 stars). 7 submissions from 7 submitters: Uncertain significance (5); Likely benign (2). Last evaluated 2026-03-26.

Conditions:
Autosomal recessive limb-girdle muscular dystrophy type 2J (LGMDR10). Also called: Limb-girdle muscular dystrophy, type 2J; MUSCULAR DYSTROPHY, LIMB-GIRDLE, AUTOSOMAL RECESSIVE 10. Identifiers: Orphanet 140922, MedGen C1837342, MONDO:0012127, OMIM 608807.
Dilated cardiomyopathy 1G (CMD1G). Identifiers: Orphanet 154, MedGen C1858763, MONDO:0011400, OMIM 604145.
TTN-related disorder. Also called: TTN-related condition; TTN-related disease; TTN-related disorders.
Cardiovascular phenotype. Identifiers: MedGen CN230736.

Allele frequency attached by ClinVar (database versions not stated): TOPMed 0.00009.
gnomAD v4.1: 19 of 1,613,816 alleles (0.0012%); highest among the groups gnomAD compares: African/African-American, 0.023%; no homozygotes.

Submissions (7):

PreventionGenetics, part of Exact Sciences
Classification: Uncertain significance for TTN-related condition. Last evaluated: 2026-03-26. Review status: criteria provided, single submitter. Criteria: ACMG Guidelines, 2015. Collection method: clinical testing. Allele origin: germline.
Comment: The TTN c.106133C>T variant is predicted to result in the amino acid substitution p.Ala35378Val. To our knowledge, this variant has not been reported in the literature. This variant is reported in 0.025% of alleles in individuals of African descent in gnomAD. At this time, the clinical significance of this variant is uncertain due to the absence of conclusive functional and genetic evidence.

Labcorp Genetics (formerly Invitae), Labcorp
Classification: Uncertain significance for Dilated cardiomyopathy 1G; Autosomal recessive limb-girdle muscular dystrophy type 2J. Last evaluated: 2025-09-10. Review status: criteria provided, single submitter. Criteria: Invitae Variant Classification Sherloc (09022015). Collection method: clinical testing. Allele origin: germline.
Comment: This sequence change replaces alanine, which is neutral and non-polar, with valine, which is neutral and non-polar, at codon 35378 of the TTN protein (p.Ala35378Val). This variant is present in population databases (rs555476312, gnomAD 0.02%). This variant has not been reported in the literature in individuals affected with TTN-related conditions. ClinVar contains an entry for this variant (Variation ID: 512644). Experimental studies and prediction algorithms are not available or were not evaluated, and the functional significance of this variant is currently unknown. This variant is located in the M band of TTN (PMID: 25589632). Non-truncating variants in this region may be relevant for neuromuscular disorders, but have not been definitively shown to cause cardiomyopathy (PMID: 23975875). In summary, the available evidence is currently insufficient to determine the role of this variant in disease. Therefore, it has been classified as a Variant of Uncertain Significance.

Molecular Diagnostic Laboratory for Inherited Cardiovascular Disease, Montreal Heart Institute
Classification: Likely benign. Last evaluated: 2025-04-09. Review status: criteria provided, single submitter. Criteria: ACMG Guidelines, 2015. Collection method: clinical testing. Allele origin: germline. Affected: no.

Revvity Omics, Revvity
Classification: Uncertain significance. Last evaluated: 2021-04-07. Review status: criteria provided, single submitter. Criteria: ACMG Guidelines, 2015. Collection method: clinical testing. Allele origin: germline.

ARUP Laboratories, Molecular Genetics and Genomics, ARUP Laboratories
Classification: Uncertain significance. Last evaluated: 2020-10-01. Review status: criteria provided, single submitter. Criteria: ARUP Molecular Germline Variant Investigation Process 2021. Collection method: clinical testing. Allele origin: germline.
Comment: The TTN c.106133C>T; p.Ala35378Val variant (rs555476312; ClinVar Variation ID: 512644) is rare in the general population (<0.2% allele frequency in the Genome Aggregation Database) and has not been reported in the medical literature in association with dilated cardiomyopathy (DCM) or other TTN-related disease. The clinical relevance of rare missense variants in this gene, which are identified on average once per individual sequenced in affected populations (Herman 2012), is not well understood. Yet, evidence suggests that the vast majority of such missense variants do not contribute to the clinical outcome of DCM (Begay 2015). Thus, the clinical significance of the p.Ala35378Val variant cannot be determined with certainty. References: Begay RL et al. Role of Titin Missense Variants in Dilated Cardiomyopathy. J Am Heart Assoc. 2015 Nov 13;4(11). Herman DS et al. Truncations of titin causing dilated cardiomyopathy. N Engl J Med. 2012 Feb 16;366(7):619-28. Linke WA and Hamdani N. Gigantic business: titin properties and function through thick and thin. Circ Res 2014; 114(6): 1052-1068.

Ambry Genetics
Classification: Uncertain significance for Cardiovascular phenotype. Last evaluated: 2020-03-06. Review status: criteria provided, single submitter. Criteria: Ambry Variant Classification Scheme 2023. Collection method: clinical testing. Allele origin: germline.
Comment: The p.A26313V variant (also known as c.78938C>T), located in coding exon 185 of the TTN gene, results from a C to T substitution at nucleotide position 78938. The alanine at codon 26313 is replaced by valine, an amino acid with similar properties. This amino acid position is not well conserved in available vertebrate species. In addition, this alteration is predicted to be tolerated by in silico analysis. Since supporting evidence is limited at this time, the clinical significance of this alteration remains unclear.

GeneDx
Classification: Likely benign. Last evaluated: 2020-01-16. Review status: criteria provided, single submitter. Criteria: GeneDx Variant Classification Process June 2021. Collection method: clinical testing. Allele origin: germline. Affected: yes.

Literature cited by the submitters: PubMed 25589632 (cited by Labcorp Genetics (formerly Invitae), Labcorp); PubMed 23975875 (cited by Labcorp Genetics (formerly Invitae), Labcorp).

NM_001267550.2(TTN):c.106133C>T (p.Ala35378Val)

Genes: TTN (titin; minus strand), TTN-AS1 (TTN antisense RNA 1; plus strand), LOC129935182 (ATAC-STARR-seq lymphoblastoid active region 16807; plus strand). Cytogenetic location: 2q31.2.
Variant type: single nucleotide variant.
Coding change: c.106133C>T on transcript NM_001267550.2 (MANE Select); coding-DNA position 106133, C replaced by T.
Protein change: p.Ala35378Val; replaces alanine 35378 with valine.
Molecular consequence: missense variant.
Genome position (GRCh38, 1-based): chr2:178,530,482, G>A on the plus strand (C>T on the coding strand, the complement: TTN is on the minus strand). VCF-style: chr2-178530482-G-A. GRCh37 (hg19) VCF-style: chr2-179395209-G-A.
Other names: c.101210C>T, p.Ala33737Val (NM_001256850.1); c.78938C>T, p.Ala26313Val (NM_003319.4); c.98429C>T, p.Ala32810Val (NM_133378.4); c.79313C>T, p.Ala26438Val (NM_133432.3); c.79514C>T, p.Ala26505Val (NM_133437.4); short protein forms A33737V, A35378V, A26438V, A26505V, A32810V, A26313V.
Identifiers: ClinVar variation 512644 (VCV000512644.23), dbSNP rs555476312, ClinGen allele CA1985159.